The following is an entry in ClinVar:

NM_001322934.2(NFKB2):c.1345C>G (p.Arg449Gly)

Genes: NFKB2 (nuclear factor kappa B subunit 2; plus strand), LOC130004599 (ATAC-STARR-seq lymphoblastoid silent region 2756; plus strand). Cytogenetic location: 10q24.32.
Variant type: single nucleotide variant.
Coding change: c.1345C>G on transcript NM_001322934.2 (MANE Select); coding-DNA position 1345, C replaced by G.
Protein change: p.Arg449Gly; replaces arginine 449 with glycine.
Molecular consequence: missense variant.
Genome position (GRCh38, 1-based): chr10:102,399,594, C>G. VCF-style: chr10-102399594-C-G. GRCh37 (hg19) VCF-style: chr10-104159351-C-G.
Other names: c.1345C>G, p.Arg449Gly (NM_001077493.1, NM_001077494.3, NM_001261403.3 and 2 more transcripts); c.1219C>G, p.Arg407Gly (NM_001322935.1); short protein forms R407G, R449G.
Identifiers: ClinVar variation 2053917 (VCV002053917.4), dbSNP rs1185633371, ClinGen allele CA377899426.

ClinVar aggregate classification (germline): Uncertain significance (1 of 4 stars; one submission).

Conditions:
Immunodeficiency, common variable, 10. Also called: IMMUNODEFICIENCY, COMMON VARIABLE, WITH CENTRAL ADRENAL INSUFFICIENCY; DEFICIT IN ANTERIOR PITUITARY FUNCTION AND VARIABLE IMMUNODEFICIENCY. Identifiers: MedGen C3809991, MONDO:0014260, OMIM 615577.

Submission:

Labcorp Genetics (formerly Invitae), Labcorp
Classification: Uncertain significance for Immunodeficiency, common variable, 10. Last evaluated: 2021-12-22. Review status: criteria provided, single submitter. Criteria: Invitae Variant Classification Sherloc (09022015). Collection method: clinical testing. Allele origin: germline.
Comment: Algorithms developed to predict the effect of missense changes on protein structure and function are either unavailable or do not agree on the potential impact of this missense change (SIFT: "Tolerated"; PolyPhen-2: "Possibly Damaging"; Align-GVGD: "Class C0"). In summary, the available evidence is currently insufficient to determine the role of this variant in disease. Therefore, it has been classified as a Variant of Uncertain Significance. This variant is not present in population databases (gnomAD no frequency). This variant has not been reported in the literature in individuals affected with NFKB2-related conditions. This sequence change replaces arginine, which is basic and polar, with glycine, which is neutral and non-polar, at codon 449 of the NFKB2 protein (p.Arg449Gly).